The following is an entry in ClinVar:

NM_001370259.2(MEN1):c.1570G>C (p.Gly524Arg)

Gene: MEN1 (menin 1; minus strand). Cytogenetic location: 11q13.1.
Variant type: single nucleotide variant.
Coding change: c.1570G>C on transcript NM_001370259.2 (MANE Select); coding-DNA position 1570, G replaced by C.
Protein change: p.Gly524Arg; replaces glycine 524 with arginine.
Molecular consequence: missense variant. On other transcripts: non-coding transcript variant (4).
Genome position (GRCh38, 1-based): chr11:64,804,597, C>G on the plus strand (G>C on the coding strand, the complement: MEN1 is on the minus strand). VCF-style: chr11-64804597-C-G. GRCh37 (hg19) VCF-style: chr11-64572069-C-G.
Other names: c.1585G>C, p.Gly529Arg (NM_000244.4, NM_001407145.1, NM_130800.3 and 4 more transcripts); c.1696G>C, p.Gly566Arg (NM_001370251.2, NM_001407142.1, NM_001407143.1 and 1 more transcripts); c.1570G>C, p.Gly524Arg (NM_001370260.2, NM_001370261.2, NM_001407146.1 and 2 more transcripts); c.1465G>C, p.Gly489Arg (NM_001370262.2, NM_001370263.2, NM_001407148.1 and 1 more transcripts); c.1711G>C, p.Gly571Arg (NM_001407150.1); c.1591G>C, p.Gly531Arg (NM_001407151.1); c.1405G>C, p.Gly469Arg (NM_001407152.1); short protein forms G524R, G529R, G531R, G571R, G469R, G566R, G489R.
Identifiers: ClinVar variation 2626588 (VCV002626588.2), dbSNP rs1565636817, ClinGen allele CA381178430.

ClinVar aggregate classification (germline): Uncertain significance (1 of 4 stars; one submission).

Conditions:
Hereditary cancer-predisposing syndrome. Also called: Tumor predisposition; Hereditary Cancer Syndrome; Hereditary neoplastic syndrome; Neoplastic Syndromes, Hereditary. Identifiers: Orphanet 140162, MedGen C0027672, MeSH D009386, MONDO:0015356.

Submission:

Ambry Genetics
Classification: Uncertain significance for Hereditary cancer-predisposing syndrome. Last evaluated: 2023-06-21. Review status: criteria provided, single submitter. Criteria: Ambry Variant Classification Scheme 2023. Collection method: clinical testing. Allele origin: germline.
Comment: The p.G524R variant (also known as c.1570G>C), located in coding exon 9 of the MEN1 gene, results from a G to C substitution at nucleotide position 1570. The glycine at codon 524 is replaced by arginine, an amino acid with dissimilar properties. This amino acid position is conserved. In addition, this alteration is predicted to be tolerated by in silico analysis. Since supporting evidence is limited at this time, the clinical significance of this alteration remains unclear.